The following is an entry in ClinVar:

NM_032634.4(PIGO):c.2316C>T (p.Gly772=)

Gene: PIGO (phosphatidylinositol glycan anchor biosynthesis class O; minus strand). Cytogenetic location: 9p13.3.
Variant type: single nucleotide variant.
Coding change: c.2316C>T on transcript NM_032634.4 (MANE Select); coding-DNA position 2316, C replaced by T.
Protein change: p.Gly772=; no amino-acid change (glycine 772 retained).
Molecular consequence: synonymous variant. On other transcripts: intron variant (2).
Genome position (GRCh38, 1-based): chr9:35,091,571, G>A on the plus strand (C>T on the coding strand, the complement: PIGO is on the minus strand). VCF-style: chr9-35091571-G-A. GRCh37 (hg19) VCF-style: chr9-35091568-G-A.
Other names: c.1345-280C>T (NM_152850.4, NM_001201484.2).
Identifiers: ClinVar variation 386735 (VCV000386735.11), dbSNP rs761210725, ClinGen allele CA5040445.

ClinVar aggregate classification (germline): Likely benign. Review status: criteria provided, multiple submitters, no conflicts (2 of 4 stars). 2 submissions from 2 submitters: Likely benign (2). Last evaluated 2024-03-07.

Conditions:
Hyperphosphatasia with impaired intellectual development syndrome 2. Also called: GLYCOSYLPHOSPHATIDYLINOSITOL BIOSYNTHESIS DEFECT 6; Hyperphosphatasia with intellectual disability syndrome 2. Identifiers: Orphanet 247262, MedGen C3553637, MONDO:0013882, OMIM 614749.

Allele frequency attached by ClinVar (database versions not stated): gnomAD 0.00001; ExAC 0.00003; TOPMed 0.00001; gnomAD exomes 0.00002 and 0.00003.
gnomAD v4.1: 30 of 1,613,872 alleles (0.0019%); highest among the groups gnomAD compares: Middle Eastern, 0.033%; no homozygotes.

Submissions (2):

Labcorp Genetics (formerly Invitae), Labcorp
Classification: Likely benign for Hyperphosphatasia with impaired intellectual development syndrome 2. Last evaluated: 2024-03-07. Review status: criteria provided, single submitter. Criteria: Invitae Variant Classification Sherloc (09022015). Collection method: clinical testing. Allele origin: germline.

GeneDx
Classification: Likely benign. Last evaluated: 2016-06-09. Review status: criteria provided, single submitter. Criteria: GeneDx Variant Classification (06012015). Collection method: clinical testing. Allele origin: germline. Affected: yes.
Comment: This variant is considered likely benign or benign based on one or more of the following criteria: it is a conservative change, it occurs at a poorly conserved position in the protein, it is predicted to be benign by multiple in silico algorithms, and/or has population frequency not consistent with disease.